The following is an entry in ClinVar:

ClinVar aggregate classification (germline): Pathogenic (1 of 4 stars; one submission).

Conditions:
Walker-Warburg congenital muscular dystrophy. Also called: Muscular dystrophy-dystroglycanopathy, type A; Walker-Warburg syndrome. Identifiers: Orphanet 899, MedGen C0265221, MONDO:0000171.

gnomAD v4.1: 1 of 1,527,114 alleles (0.000065%); highest among the groups gnomAD compares: Non-Finnish European, 0.000088%; no homozygotes.

Submission:

Labcorp Genetics (formerly Invitae), Labcorp
Classification: Pathogenic for Walker-Warburg congenital muscular dystrophy. Last evaluated: 2025-04-24. Review status: criteria provided, single submitter. Criteria: Invitae Variant Classification Sherloc (09022015). Collection method: clinical testing. Allele origin: germline.
Comment: This sequence change creates a premature translational stop signal (p.Trp279*) in the FKRP gene. While this is not anticipated to result in nonsense mediated decay, it is expected to disrupt the last 217 amino acid(s) of the FKRP protein. This variant is not present in population databases (gnomAD no frequency). This variant has not been reported in the literature in individuals affected with FKRP-related conditions. This variant disrupts a region of the FKRP protein in which other variant(s) (p.Ile478Thr) have been determined to be pathogenic (PMID: 16476814, 18639457, 19299310). This suggests that this is a clinically significant region of the protein, and that variants that disrupt it are likely to be disease-causing. For these reasons, this variant has been classified as Pathogenic.

Literature cited by the submitters: PubMed 16476814; PubMed 18639457; PubMed 19299310.

NM_024301.5(FKRP):c.836G>A (p.Trp279Ter)

Gene: FKRP (fukutin related protein; plus strand). Cytogenetic location: 19q13.32.
Variant type: single nucleotide variant.
Coding change: c.836G>A on transcript NM_024301.5 (MANE Select); coding-DNA position 836, G replaced by A.
Protein change: p.Trp279Ter; replaces tryptophan 279 with a stop codon.
Molecular consequence: nonsense.
Genome position (GRCh38, 1-based): chr19:46,756,286, G>A. VCF-style: chr19-46756286-G-A. GRCh37 (hg19) VCF-style: chr19-47259543-G-A.
Other names: c.836G>A, p.Trp279Ter (NM_001039885.3); short protein forms W279*.
Identifiers: ClinVar variation 4804069 (VCV004804069.1).